The following is an entry in ClinVar:

NM_000161.3(GCH1):c.368A>G (p.Asp123Gly)

Gene: GCH1 (GTP cyclohydrolase 1; minus strand). Cytogenetic location: 14q22.2.
Variant type: single nucleotide variant.
Coding change: c.368A>G on transcript NM_000161.3 (MANE Select); coding-DNA position 368, A replaced by G.
Protein change: p.Asp123Gly; replaces aspartic acid 123 with glycine.
Molecular consequence: missense variant.
Genome position (GRCh38, 1-based): chr14:54,865,412, T>C on the plus strand (A>G on the coding strand, the complement: GCH1 is on the minus strand). VCF-style: chr14-54865412-T-C. GRCh37 (hg19) VCF-style: chr14-55332130-T-C.
Other names: c.368A>G, p.Asp123Gly (NM_001024024.2, NM_001024070.2, NM_001024071.2 and 1 more transcripts); c.74A>G, p.Asp25Gly (NM_001424105.1); short protein forms D123G, D25G.
Identifiers: ClinVar variation 4783110 (VCV004783110.1).

ClinVar aggregate classification (germline): Uncertain significance (1 of 4 stars; one submission).

Conditions:
GTP cyclohydrolase I deficiency. Identifiers: MedGen C0268467, MONDO:0100184.
Dystonia 5 (DRD). Also called: DYT-GCH1; DYSTONIA, PROGRESSIVE, WITH DIURNAL VARIATION; DYSTONIA-PARKINSONISM WITH DIURNAL FLUCTUATION; Dystonia, DOPA-responsive, with or without hyperphenylalaninemia; GTP Cyclohydrolase 1-Deficient Dopa-Responsive Dystonia. Identifiers: Orphanet 98808, MedGen C1851920, MONDO:0007495, OMIM 128230.

gnomAD v4.1: 3 of 1,574,350 alleles (0.00019%); highest among the groups gnomAD compares: South Asian, 0.0011%; no homozygotes.

Submission:

Labcorp Genetics (formerly Invitae), Labcorp
Classification: Uncertain significance for GTP cyclohydrolase I deficiency; Dystonia 5. Last evaluated: 2025-07-02. Review status: criteria provided, single submitter. Criteria: Invitae Variant Classification Sherloc (09022015). Collection method: clinical testing. Allele origin: germline.
Comment: This sequence change replaces aspartic acid, which is acidic and polar, with glycine, which is neutral and non-polar, at codon 123 of the GCH1 protein (p.Asp123Gly). This variant is not present in population databases (gnomAD no frequency). This variant has not been reported in the literature in individuals affected with GCH1-related conditions. Invitae Evidence Modeling of protein sequence and biophysical properties (such as structural, functional, and spatial information, amino acid conservation, physicochemical variation, residue mobility, and thermodynamic stability) indicates that this missense variant is not expected to disrupt GCH1 protein function with a negative predictive value of 80%. In summary, the available evidence is currently insufficient to determine the role of this variant in disease. Therefore, it has been classified as a Variant of Uncertain Significance.